The following is an entry in ClinVar:

ClinVar aggregate classification (germline): Uncertain significance. Review status: criteria provided, single submitter (1 of 4 stars). 2 submissions from 2 submitters: Uncertain significance (1). 1 of the submissions does not count toward it. Last evaluated 2019-05-20.

Conditions:
Late-infantile neuronal ceroid lipofuscinosis. Also called: Jansky-Bielschowsky disease. Identifiers: MedGen C0022340, MONDO:0015674.
Neuronal ceroid lipofuscinosis 7 (CLN7). Also called: MFSD8-Related Neuronal Ceroid-Lipofuscinosis. Identifiers: Orphanet 168491, Orphanet 228366, MedGen C1838571, MONDO:0012588, OMIM 610951.

Submissions (2):

Labcorp Genetics (formerly Invitae), Labcorp
Classification: Uncertain significance for Neuronal ceroid lipofuscinosis 7. Last evaluated: 2019-05-20. Review status: criteria provided, single submitter. Criteria: Invitae Variant Classification Sherloc (09022015). Collection method: clinical testing. Allele origin: germline.
Comment: This sequence change replaces serine with threonine at codon 8 of the MFSD8 protein (p.Ser8Thr). The serine residue is weakly conserved and there is a small physicochemical difference between serine and threonine. This variant is not present in population databases (ExAC no frequency). This variant has not been reported in the literature in individuals with MFSD8-related conditions. Algorithms developed to predict the effect of missense changes on protein structure and function (SIFT, PolyPhen-2, Align-GVGD) all suggest that this variant is likely to be tolerated, but these predictions have not been confirmed by published functional studies and their clinical significance is uncertain. In summary, the available evidence is currently insufficient to determine the role of this variant in disease. Therefore, it has been classified as a Variant of Uncertain Significance.

Natera, Inc.
Classification: Uncertain significance for Late-infantile neuronal ceroid lipofuscinosis. Last evaluated: 2025-02-12. Review status: no assertion criteria provided. Collection method: clinical testing. Allele origin: germline. Not counted in ClinVar's aggregate classification.

NM_001371596.2(MFSD8):c.23G>C (p.Ser8Thr)

Gene: MFSD8 (major facilitator superfamily domain containing 8; minus strand). Cytogenetic location: 4q28.2.
Variant type: single nucleotide variant.
Coding change: c.23G>C on transcript NM_001371596.2 (MANE Select); coding-DNA position 23, G replaced by C.
Protein change: p.Ser8Thr; replaces serine 8 with threonine.
Molecular consequence: missense variant. On other transcripts: 5 prime UTR variant (1), intron variant (2).
Genome position (GRCh38, 1-based): chr4:127,965,111, C>G on the plus strand (G>C on the coding strand, the complement: MFSD8 is on the minus strand). VCF-style: chr4-127965111-C-G. GRCh37 (hg19) VCF-style: chr4-128886266-C-G.
Other names: c.23G>C, p.Ser8Thr (NM_001363520.3, NM_001363521.3, NM_001371591.2 and 5 more transcripts); c.-111G>C (NM_001371595.1); c.-74+786G>C (NM_001410765.1, NM_001371590.2); short protein forms S8T.
Identifiers: ClinVar variation 952906 (VCV000952906.4), dbSNP rs780548594, ClinGen allele CA358165914.